The following is an entry in ClinVar:

ClinVar aggregate classification (germline): Uncertain significance (1 of 4 stars; one submission).

Allele frequency attached by ClinVar (database versions not stated): gnomAD exomes below 0.00001.

Submission:

Labcorp Genetics (formerly Invitae), Labcorp
Classification: Uncertain significance. Last evaluated: 2023-11-17. Review status: criteria provided, single submitter. Criteria: Invitae Variant Classification Sherloc (09022015). Collection method: clinical testing. Allele origin: germline.
Comment: This sequence change replaces alanine, which is neutral and non-polar, with aspartic acid, which is acidic and polar, at codon 195 of the NEFH protein (p.Ala195Asp). This variant is not present in population databases (gnomAD no frequency). This variant has not been reported in the literature in individuals affected with NEFH-related conditions. Advanced modeling of protein sequence and biophysical properties (such as structural, functional, and spatial information, amino acid conservation, physicochemical variation, residue mobility, and thermodynamic stability) performed at Invitae indicates that this missense variant is not expected to disrupt NEFH protein function with a negative predictive value of 95%. In summary, the available evidence is currently insufficient to determine the role of this variant in disease. Therefore, it has been classified as a Variant of Uncertain Significance.

NM_021076.4(NEFH):c.584C>A (p.Ala195Asp)

Gene: NEFH (neurofilament heavy chain; plus strand). Cytogenetic location: 22q12.2.
Variant type: single nucleotide variant.
Coding change: c.584C>A on transcript NM_021076.4 (MANE Select); coding-DNA position 584, C replaced by A.
Protein change: p.Ala195Asp; replaces alanine 195 with aspartic acid.
Molecular consequence: missense variant.
Genome position (GRCh38, 1-based): chr22:29,480,846, C>A. VCF-style: chr22-29480846-C-A. GRCh37 (hg19) VCF-style: chr22-29876835-C-A.
Other names: short protein forms A195D.
Identifiers: ClinVar variation 2791338 (VCV002791338.3), dbSNP rs2517969107, ClinGen allele CA411123270.